The following is an entry in ClinVar:

NM_004046.6(ATP5F1A):c.53C>G (p.Ala18Gly)

Genes: ATP5F1A (ATP synthase F1 subunit alpha; minus strand), LOC126862738 (BRD4-independent group 4 enhancer GRCh37_chr18:43677662-43678861; plus strand). Cytogenetic location: 18q21.1.
Variant type: single nucleotide variant.
Coding change: c.53C>G on transcript NM_004046.6 (MANE Select); coding-DNA position 53, C replaced by G.
Protein change: p.Ala18Gly; replaces alanine 18 with glycine.
Molecular consequence: missense variant. On other transcripts: 5 prime UTR variant (2).
Genome position (GRCh38, 1-based): chr18:46,098,179, G>C on the plus strand (C>G on the coding strand, the complement: ATP5F1A is on the minus strand). VCF-style: chr18-46098179-G-C. GRCh37 (hg19) VCF-style: chr18-43678145-G-C.
Other names: c.-171C>G (NM_001001935.3); c.53C>G, p.Ala18Gly (NM_001001937.2, NM_001257334.2); c.-434C>G (NM_001257335.2); short protein forms A18G.
Identifiers: ClinVar variation 3667640 (VCV003667640.2).

ClinVar aggregate classification (germline): Uncertain significance (1 of 4 stars; one submission).

Submission:

Labcorp Genetics (formerly Invitae), Labcorp
Classification: Uncertain significance. Last evaluated: 2024-03-21. Review status: criteria provided, single submitter. Criteria: Invitae Variant Classification Sherloc (09022015). Collection method: clinical testing. Allele origin: germline.
Comment: This sequence change replaces alanine, which is neutral and non-polar, with glycine, which is neutral and non-polar, at codon 18 of the ATP5A1 protein (p.Ala18Gly). This variant is not present in population databases (gnomAD no frequency). This variant has not been reported in the literature in individuals affected with ATP5A1-related conditions. Experimental studies and prediction algorithms are not available or were not evaluated, and the functional significance of this variant is currently unknown. In summary, the available evidence is currently insufficient to determine the role of this variant in disease. Therefore, it has been classified as a Variant of Uncertain Significance.